The following is an entry in ClinVar:

ClinVar aggregate classification (germline): Uncertain significance (1 of 4 stars; one submission).

Submission:

Labcorp Genetics (formerly Invitae), Labcorp
Classification: Uncertain significance. Last evaluated: 2023-11-10. Review status: criteria provided, single submitter. Criteria: Invitae Variant Classification Sherloc (09022015). Collection method: clinical testing. Allele origin: germline.
Comment: This sequence change replaces leucine, which is neutral and non-polar, with valine, which is neutral and non-polar, at codon 229 of the TNFRSF6B protein (p.Leu229Val). This variant is not present in population databases (gnomAD no frequency). This variant has not been reported in the literature in individuals affected with TNFRSF6B-related conditions. An algorithm developed to predict the effect of missense changes on protein structure and function (PolyPhen-2) suggests that this variant is likely to be disruptive. In summary, the available evidence is currently insufficient to determine the role of this variant in disease. Therefore, it has been classified as a Variant of Uncertain Significance.

NM_003823.4(TNFRSF6B):c.685C>G (p.Leu229Val)

Genes: RTEL1-TNFRSF6B (RTEL1-TNFRSF6B readthrough (NMD candidate); plus strand), TNFRSF6B (TNF receptor superfamily member 6b; plus strand). Cytogenetic location: 20q13.33.
Variant type: single nucleotide variant.
Coding change: c.685C>G on transcript NM_003823.4 (MANE Select); coding-DNA position 685, C replaced by G.
Protein change: p.Leu229Val; replaces leucine 229 with valine.
Molecular consequence: missense variant. On other transcripts: non-coding transcript variant (1).
Genome position (GRCh38, 1-based): chr20:63,698,345, C>G. VCF-style: chr20-63698345-C-G. GRCh37 (hg19) VCF-style: chr20-62329698-C-G.
Other names: short protein forms L229V.
Identifiers: ClinVar variation 2786800 (VCV002786800.3), dbSNP rs2517228005, ClinGen allele CA409711975.